The following is an entry in ClinVar:

ClinVar aggregate classification (germline): Uncertain significance (1 of 4 stars; one submission).

Submission:

GeneDx
Classification: Uncertain significance. Last evaluated: 2025-07-17. Review status: criteria provided, single submitter. Criteria: GeneDx Variant Classification Process June 2021. Collection method: clinical testing. Allele origin: germline. Affected: yes.
Comment: Not observed at significant frequency in large population cohorts (gnomAD); In silico analysis supports that this missense variant has a deleterious effect on protein structure/function; Has not been previously published as pathogenic or benign to our knowledge

NM_003076.5(SMARCD1):c.823C>T (p.Pro275Ser)

Gene: SMARCD1 (SWI/SNF related BAF chromatin remodeling complex subunit D1; plus strand). Cytogenetic location: 12q13.12.
Variant type: single nucleotide variant.
Coding change: c.823C>T on transcript NM_003076.5 (MANE Select); coding-DNA position 823, C replaced by T.
Protein change: p.Pro275Ser; replaces proline 275 with serine.
Molecular consequence: missense variant.
Genome position (GRCh38, 1-based): chr12:50,089,935, C>T. VCF-style: chr12-50089935-C-T. GRCh37 (hg19) VCF-style: chr12-50483718-C-T.
Other names: c.823C>T, p.Pro275Ser (NM_139071.3); short protein forms P275S.
Identifiers: ClinVar variation 4686522 (VCV004686522.1).